The following is an entry in ClinVar:

NM_001845.6(COL4A1):c.4881C>T (p.Asn1627=)

Gene: COL4A1 (collagen type IV alpha 1 chain; minus strand). Cytogenetic location: 13q34.
Variant type: single nucleotide variant.
Coding change: c.4881C>T on transcript NM_001845.6 (MANE Select); coding-DNA position 4881, C replaced by T.
Protein change: p.Asn1627=; no amino-acid change (asparagine 1627 retained).
Molecular consequence: synonymous variant.
Genome position (GRCh38, 1-based): chr13:110,152,381, G>A on the plus strand (C>T on the coding strand, the complement: COL4A1 is on the minus strand). VCF-style: chr13-110152381-G-A. GRCh37 (hg19) VCF-style: chr13-110804728-G-A.
Other names: c.4881C>T (NM_001845.5).
Identifiers: ClinVar variation 1342725 (VCV001342725.10), dbSNP rs672601348, ClinGen allele CA7046778.

ClinVar aggregate classification (germline): Likely benign. Review status: criteria provided, multiple submitters, no conflicts (2 of 4 stars). 3 submissions from 3 submitters: Likely benign (3). Last evaluated 2026-07-01.

Conditions:
COL4A1-related disorder. Also called: COL4A1-related disorders; COL4A1-related condition. Identifiers: MedGen CN376119, MONDO:0800461.

Allele frequency attached by ClinVar (database versions not stated): gnomAD 0.00001; gnomAD exomes 0.00001; TOPMed 0.00001; ExAC 0.00002.
gnomAD v4.1: 11 of 1,614,056 alleles (0.00068%); highest among the groups gnomAD compares: Admixed American, 0.0033%; no homozygotes.

Submissions (3):

PreventionGenetics, part of Exact Sciences
Classification: Likely benign for COL4A1-related condition. Last evaluated: 2026-07-01. Review status: criteria provided, single submitter. Criteria: ACMG Guidelines, 2015. Collection method: clinical testing. Allele origin: germline.
Comment: This variant is classified as likely benign based on ACMG/AMP sequence variant interpretation guidelines (Richards et al. 2015 PMID: 25741868, with internal and published modifications).

Labcorp Genetics (formerly Invitae), Labcorp
Classification: Likely benign. Last evaluated: 2025-03-07. Review status: criteria provided, single submitter. Criteria: Invitae Variant Classification Sherloc (09022015). Collection method: clinical testing. Allele origin: germline.

GeneDx
Classification: Likely benign. Last evaluated: 2021-05-03. Review status: criteria provided, single submitter. Criteria: GeneDx Variant Classification Process June 2021. Collection method: clinical testing. Allele origin: germline. Affected: yes.